The following is an entry in ClinVar:

ClinVar aggregate classification (germline): Uncertain significance (1 of 4 stars; one submission).

Conditions:
Long QT syndrome (LQTS). Identifiers: MedGen C0023976, MeSH D008133, MONDO:0002442. Disease mechanism: loss of function. Inheritance: Various modes of inheritance.

Allele frequency attached by ClinVar (database versions not stated): ExAC 0.00003; 1000 Genomes Project 30x 0.00031; 1000 Genomes Project 0.00040.

Submission:

Labcorp Genetics (formerly Invitae), Labcorp
Classification: Uncertain significance for Long QT syndrome. Last evaluated: 2023-01-03. Review status: criteria provided, single submitter. Criteria: Invitae Variant Classification Sherloc (09022015). Collection method: clinical testing. Allele origin: germline.
Comment: In summary, the available evidence is currently insufficient to determine the role of this variant in disease. Therefore, it has been classified as a Variant of Uncertain Significance. Advanced modeling of protein sequence and biophysical properties (such as structural, functional, and spatial information, amino acid conservation, physicochemical variation, residue mobility, and thermodynamic stability) performed at Invitae indicates that this missense variant is not expected to disrupt KCNJ5 protein function. This variant has not been reported in the literature in individuals affected with KCNJ5-related conditions. This variant is present in population databases (rs544093099, gnomAD 0.02%). This sequence change replaces glutamine, which is neutral and polar, with arginine, which is basic and polar, at codon 378 of the KCNJ5 protein (p.Gln378Arg).

NM_000890.5(KCNJ5):c.1133A>G (p.Gln378Arg)

Gene: KCNJ5 (potassium inwardly rectifying channel subfamily J member 5; plus strand). Cytogenetic location: 11q24.3.
Variant type: single nucleotide variant.
Coding change: c.1133A>G on transcript NM_000890.5 (MANE Select); coding-DNA position 1133, A replaced by G.
Protein change: p.Gln378Arg; replaces glutamine 378 with arginine.
Molecular consequence: missense variant.
Genome position (GRCh38, 1-based): chr11:128,916,604, A>G. VCF-style: chr11-128916604-A-G. GRCh37 (hg19) VCF-style: chr11-128786499-A-G.
Other names: c.1133A>G, p.Gln378Arg (NM_001354169.2); short protein forms Q378R.
Identifiers: ClinVar variation 2140854 (VCV002140854.4), dbSNP rs544093099, ClinGen allele CA6358002.